The following is an entry in ClinVar:

ClinVar aggregate classification (germline): Conflicting classifications of pathogenicity. Review status: criteria provided, conflicting classifications (1 of 4 stars). 2 submissions from 2 submitters: Likely pathogenic (1); Uncertain significance (1). Last evaluated 2025-08-12.

Conditions:
Hereditary cancer-predisposing syndrome. Also called: Neoplastic Syndromes, Hereditary; Tumor predisposition; Hereditary Cancer Syndrome; Hereditary neoplastic syndrome. Identifiers: Orphanet 140162, MedGen C0027672, MeSH D009386, MONDO:0015356.

Submissions (2):

Ambry Genetics
Classification: Likely pathogenic for Hereditary cancer-predisposing syndrome. Last evaluated: 2025-08-12. Review status: criteria provided, single submitter. Criteria: Ambry Variant Classification Scheme 2023. Collection method: clinical testing. Allele origin: germline.
Comment: The p.S225P variant (also known as c.673T>C), located in coding exon 8 of the MUTYH gene, results from a T to C substitution at nucleotide position 673. The serine at codon 225 is replaced by proline, an amino acid with similar properties. This variant has been identified in conjunction with another MUTYH variant in individual(s) with features consistent with MUTYH-associated polyposis (Ambry internal data). In a massively parallel cell-based functional assay testing 7,8-dihydro-8- oxoguanine:adenine (8OG:A) repair activity, a byproduct of oxidative damage, this variant was reported to be non-functional (Hemker SL et al. Am J Hum Genet. Published online July 29, 2025. DOI: 10.1016/j.ajhg.2025.07.005). This amino acid position is highly conserved in available vertebrate species. In addition, this alteration is predicted to be deleterious by in silico analysis. This variant is considered to be rare based on population cohorts in the Genome Aggregation Database (gnomAD). Based on the majority of available evidence to date, this variant is likely to be pathogenic.

Color Diagnostics, LLC DBA Color Health
Classification: Uncertain significance for Hereditary cancer-predisposing syndrome. Last evaluated: 2024-03-07. Review status: criteria provided, single submitter. Criteria: ACMG Guidelines, 2015. Collection method: clinical testing. Allele origin: germline.
Comment: This missense variant replaces serine with proline at codon 225 of the MUTYH protein. Computational prediction suggests that this variant may have deleterious impact on protein structure and function (internally defined REVEL score threshold >= 0.7, PMID: 27666373). To our knowledge, functional studies have not been reported for this variant. This variant has not been reported in individuals affected with hereditary cancer in the literature. This variant has not been identified in the general population by the Genome Aggregation Database (gnomAD). The available evidence is insufficient to determine the role of this variant in disease conclusively. Therefore, this variant is classified as a Variant of Uncertain Significance.

Literature cited by the submitters: PubMed 40738107 (cited by Ambry Genetics).

NM_001048174.2(MUTYH):c.589T>C (p.Ser197Pro)

Gene: MUTYH (mutY DNA glycosylase; minus strand). Cytogenetic location: 1p34.1.
Variant type: single nucleotide variant.
Coding change: c.589T>C on transcript NM_001048174.2 (MANE Select); coding-DNA position 589, T replaced by C.
Protein change: p.Ser197Pro; replaces serine 197 with proline.
Molecular consequence: missense variant. On other transcripts: non-coding transcript variant (2).
Genome position (GRCh38, 1-based): chr1:45,332,591, A>G on the plus strand (T>C on the coding strand, the complement: MUTYH is on the minus strand). VCF-style: chr1-45332591-A-G. GRCh37 (hg19) VCF-style: chr1-45798263-A-G.
Other names: c.589T>C, p.Ser197Pro (NM_001048171.2, NM_001048173.2, NM_001293195.2 and 6 more transcripts); c.592T>C, p.Ser198Pro (NM_001048172.2, NM_001407071.1, NM_001407078.1 and 1 more transcripts); c.673T>C, p.Ser225Pro (NM_001128425.2); c.634T>C, p.Ser212Pro (NM_001293190.2); c.622T>C, p.Ser208Pro (NM_001293191.2, NM_001407069.1, NM_001407077.1); c.313T>C, p.Ser105Pro (NM_001293192.2, NM_001293196.2, NM_001407091.1); c.244T>C, p.Ser82Pro (NM_001350650.2, NM_001350651.2, NM_001407082.1); c.505T>C, p.Ser169Pro (NM_001407075.1); and 5 more; short protein forms S184P, S225P, S105P, S198P, S222P, S169P, S197P, S82P.
Identifiers: ClinVar variation 1755190 (VCV001755190.5), dbSNP rs2149149399, ClinGen allele CA340135289.
Genomic context (GRCh38, chr1:45,332,591, plus strand): 5'-GGAGGCTGGGCACGCACAAAGTGGGGGTGGGCTGTGAGATCACCTGGCCAAAGGCGATAG[A>G]GGCAATGGCCCCAGCTGTGTAGCGCCCCACGCCAGGCAGGAGCTGCTGCAGGGTCTCTGC-3'
Protein context (NP_001041639.1, residues 187-207): VGRYTAGAIA[Ser197Pro]IAFGQATGVV